The following is an entry in ClinVar:

NM_004548.3(NDUFB10):c.225CAT[3] (p.Ile76_Met77insIle)

Gene: NDUFB10 (NADH:ubiquinone oxidoreductase subunit B10; plus strand). Cytogenetic location: 16p13.3.
Variant type: Microsatellite.
Coding change: c.225CAT[3] on transcript NM_004548.3 (MANE Select); three copies in a row of the 3-base unit CAT starting at c.225; the reference has two copies in a row; one copy, 3 bases duplicated.
Protein change: p.Ile76_Met77insIle.
Molecular consequence: inframe insertion.
Genome position (GRCh38, 1-based): chr16:1,961,250-1,961,252, CAT duplicated; duplicating any 3 consecutive bases within chr16:1,961,247-1,961,252 gives the same sequence; the position shown is the placement nearest the transcript's 3' end. VCF-style (leftmost placement, unchanged base first): chr16-1961246-A-ACAT. GRCh37 (hg19) VCF-style: chr16-2011247-A-ACAT.
Identifiers: ClinVar variation 2097096 (VCV002097096.4), dbSNP rs1427624995, ClinGen allele CA718850039.

ClinVar aggregate classification (germline): Uncertain significance (1 of 4 stars; one submission).

Submission:

Labcorp Genetics (formerly Invitae), Labcorp
Classification: Uncertain significance. Last evaluated: 2023-07-10. Review status: criteria provided, single submitter. Criteria: Invitae Variant Classification Sherloc (09022015). Collection method: clinical testing. Allele origin: germline.
Comment: This variant, c.228_230dup, results in the insertion of 1 amino acid(s) of the NDUFB10 protein (p.Ile76dup), but otherwise preserves the integrity of the reading frame. This variant is not present in population databases (gnomAD no frequency). This variant has not been reported in the literature in individuals affected with NDUFB10-related conditions. In summary, the available evidence is currently insufficient to determine the role of this variant in disease. Therefore, it has been classified as a Variant of Uncertain Significance.